The following is an entry in ClinVar:

NM_004463.3(FGD1):c.107G>T (p.Gly36Val)

Gene: FGD1 (FYVE, RhoGEF and PH domain containing 1; minus strand). Cytogenetic location: Xp11.22.
Variant type: single nucleotide variant.
Coding change: c.107G>T on transcript NM_004463.3 (MANE Select); coding-DNA position 107, G replaced by T.
Protein change: p.Gly36Val; replaces glycine 36 with valine.
Molecular consequence: missense variant.
Genome position (GRCh38, 1-based): chrX:54,495,326, C>A on the plus strand (G>T on the coding strand, the complement: FGD1 is on the minus strand). VCF-style: chrX-54495326-C-A. GRCh37 (hg19) VCF-style: chrX-54521759-C-A.
Other names: short protein forms G36V.
Identifiers: ClinVar variation 1312214 (VCV001312214.2), dbSNP rs2147448821, ClinGen allele CA413254984.
Genomic context (GRCh38, chrX:54,495,326, plus strand): 5'-AGTGGGCCGCCAAGAGCCGAACCTGAGCCCCTGCGCGCCAGCAGTCCGGGTTCCGAGGCT[C>A]CAGGGTCCGAGTCGGCACAGGCCGGCGGAGCGGCGCCCGGCGGGTTCGTGGCCGGGTGTT-3'
Protein context (NP_004454.2, residues 26-46): APPACADSDP[Gly36Val]ASEPGLLARR

ClinVar aggregate classification (germline): Uncertain significance (1 of 4 stars; one submission).

Submission:

GeneDx
Classification: Uncertain significance. Last evaluated: 2020-12-31. Review status: criteria provided, single submitter. Criteria: GeneDx Variant Classification Process June 2021. Collection method: clinical testing. Allele origin: germline. Affected: yes.
Comment: Not observed in large population cohorts (Lek et al., 2016); In silico analysis, which includes protein predictors and evolutionary conservation, supports that this variant does not alter protein structure/function; Has not been previously published as pathogenic or benign to our knowledge